The following is an entry in ClinVar:

NM_006445.4(PRPF8):c.6251A>C (p.His2084Pro)

Gene: PRPF8 (pre-mRNA processing factor 8; minus strand). Cytogenetic location: 17p13.3.
Variant type: single nucleotide variant.
Coding change: c.6251A>C on transcript NM_006445.4 (MANE Select); coding-DNA position 6251, A replaced by C.
Protein change: p.His2084Pro; replaces histidine 2084 with proline.
Molecular consequence: missense variant.
Genome position (GRCh38, 1-based): chr17:1,653,660, T>G on the plus strand (A>C on the coding strand, the complement: PRPF8 is on the minus strand). VCF-style: chr17-1653660-T-G. GRCh37 (hg19) VCF-style: chr17-1556954-T-G.
Other names: short protein forms H2084P.
Identifiers: ClinVar variation 5019197 (VCV005019197.2).

ClinVar aggregate classification (germline): Uncertain significance (1 of 4 stars; one submission).

Conditions:
Retinitis pigmentosa 13 (RP13). Also called: PRPF 8-Related Retinitis Pigmentosa. Identifiers: Orphanet 791, MedGen C1838702, MONDO:0010806, OMIM 600059.

Submission:

Juno Genomics, Hangzhou Juno Genomics, Inc
Classification: Uncertain significance for Retinitis pigmentosa 13. Review status: criteria provided, single submitter. Criteria: ACMG Guidelines, 2015. Collection method: clinical testing. Allele origin: germline.
Comment: Absent from controls (or at extremely low frequency if recessive) in Genome Aggregation Database.;Missense variant in a gene that has a low rate of benign missense variation.